The following is an entry in ClinVar:

ClinVar aggregate classification (germline): Conflicting classifications of pathogenicity. Review status: criteria provided, conflicting classifications (1 of 4 stars). 5 submissions from 5 submitters: Uncertain significance (2); Benign (1); Likely benign (1). 1 of the submissions does not count toward it. Last evaluated 2026-02-01.

Conditions:
COLGALT1-related disorder. Also called: COLGALT1-related condition.

Allele frequency attached by ClinVar (database versions not stated): ESP Exome Variant Server 0.00616; TOPMed 0.00742; 1000 Genomes Project 30x 0.00765; gnomAD exomes 0.01039 and 0.01051; ExAC 0.01215; 1000 Genomes Project 0.00799; gnomAD 0.00814 and 0.00855.
gnomAD v4.1: 15,799 of 1,551,928 alleles (1%); highest among the groups gnomAD compares: South Asian, 1.8%; 101 homozygotes.

Submissions (5):

Labcorp Genetics (formerly Invitae), Labcorp
Classification: Benign. Last evaluated: 2026-02-01. Review status: criteria provided, single submitter. Criteria: Invitae Variant Classification Sherloc (09022015). Collection method: clinical testing. Allele origin: germline.

Blueprint Genetics
Classification: Likely benign. Last evaluated: 2024-11-28. Review status: criteria provided, single submitter. Criteria: ACMG Guidelines, 2015. Collection method: clinical testing. Allele origin: germline.

CeGaT Center for Human Genetics Tuebingen
Classification: Uncertain significance. Last evaluated: 2016-06-01. Review status: criteria provided, single submitter. Criteria: CeGaT Center For Human Genetics Tuebingen Variant Classification Criteria Version 2. Collection method: clinical testing. Allele origin: germline. Affected: yes. Observed: 1 variant allele.

Breakthrough Genomics
Classification: Uncertain significance. Review status: criteria provided, single submitter. Criteria: ACMG Guidelines, 2015. Collection method: not provided. Allele origin: germline. Inheritance: Autosomal dominant inheritance. Affected: yes.

PreventionGenetics, part of Exact Sciences
Classification: Benign for COLGALT1-related condition. Last evaluated: 2019-06-06. Review status: no assertion criteria provided. Collection method: clinical testing. Allele origin: germline. Not counted in ClinVar's aggregate classification.
Comment: This variant is classified as benign based on ACMG/AMP sequence variant interpretation guidelines (Richards et al. 2015 PMID: 25741868, with internal and published modifications).

NM_024656.4(COLGALT1):c.273C>T (p.Asp91=)

Gene: COLGALT1 (collagen beta(1-O)galactosyltransferase 1; plus strand). Cytogenetic location: 19p13.11.
Variant type: single nucleotide variant.
Coding change: c.273C>T on transcript NM_024656.4 (MANE Select); coding-DNA position 273, C replaced by T.
Protein change: p.Asp91=; no amino-acid change (aspartic acid 91 retained).
Molecular consequence: synonymous variant.
Genome position (GRCh38, 1-based): chr19:17,559,323, C>T. VCF-style: chr19-17559323-C-T. GRCh37 (hg19) VCF-style: chr19-17670132-C-T.
Other names: c.273C>T (NM_024656.3).
Identifiers: ClinVar variation 808501 (VCV000808501.49), dbSNP rs118174667, ClinGen allele CA9296853.
Genomic context (GRCh38, chr19:17,559,323, plus strand): 5'-TCCTGCCTCAGTCTCCCCAAGTACGCTGCCTGTCCCCTCTCCCTGCAGGGTGGCTACGGA[C>T]CACAACATGGATAACACGTCAACTGTGCTGCGGGAGTGGCTGGTGGCCGTGAAGAGTTTG-3'
Protein context (NP_078932.2, residues 81-101): RERTALWVAT[Asp91=]HNMDNTSTVL